The following is an entry in ClinVar:

NM_138425.4(C12orf57):c.269C>T (p.Ala90Val)

Gene: C12orf57 (chromosome 12 open reading frame 57; plus strand). Cytogenetic location: 12p13.31.
Variant type: single nucleotide variant.
Coding change: c.269C>T on transcript NM_138425.4 (MANE Select); coding-DNA position 269, C replaced by T.
Protein change: p.Ala90Val; replaces alanine 90 with valine.
Molecular consequence: missense variant. On other transcripts: non-coding transcript variant (1).
Genome position (GRCh38, 1-based): chr12:6,945,810, C>T. VCF-style: chr12-6945810-C-T. GRCh37 (hg19) VCF-style: chr12-7054973-C-T.
Other names: c.269C>T, p.Ala90Val (NM_001301834.1); c.230C>T, p.Ala77Val (NM_001301836.2); c.182C>T, p.Ala61Val (NM_001301837.2); c.164C>T, p.Ala55Val (NM_001301838.2); short protein forms A55V, A61V, A77V, A90V.
Identifiers: ClinVar variation 1681839 (VCV001681839.8), dbSNP rs782060935, ClinGen allele CA6421344.

ClinVar aggregate classification (germline): Uncertain significance (1 of 4 stars; one submission).

Conditions:
Temtamy syndrome (TEMTYS). Also called: MENTAL RETARDATION WITH OR WITHOUT CRANIOFACIAL DYSMORPHISM, OCULAR COLOBOMA, OR ABNORMAL CORPUS CALLOSUM. Identifiers: Orphanet 1777, MedGen C1857512, MONDO:0009033, OMIM 218340.

Allele frequency attached by ClinVar (database versions not stated): gnomAD exomes below 0.00001; ExAC 0.00001.
gnomAD v4.1: 1 of 1,613,848 alleles (0.000062%); highest among the groups gnomAD compares: South Asian, 0.0011%; no homozygotes.

Submission:

Labcorp Genetics (formerly Invitae), Labcorp
Classification: Uncertain significance for Temtamy syndrome. Last evaluated: 2021-06-13. Review status: criteria provided, single submitter. Criteria: Invitae Variant Classification Sherloc (09022015). Collection method: clinical testing. Allele origin: germline.
Comment: In summary, the available evidence is currently insufficient to determine the role of this variant in disease. Therefore, it has been classified as a Variant of Uncertain Significance. Algorithms developed to predict the effect of missense changes on protein structure and function (SIFT, PolyPhen-2, Align-GVGD) all suggest that this variant is likely to be tolerated, but these predictions have not been confirmed by published functional studies and their clinical significance is uncertain. This variant has not been reported in the literature in individuals with C12orf57-related conditions. This variant is present in population databases (rs782060935, ExAC 0.007%). This sequence change replaces alanine with valine at codon 90 of the C12orf57 protein (p.Ala90Val). The alanine residue is moderately conserved and there is a small physicochemical difference between alanine and valine.